The following is an entry in ClinVar:

ClinVar aggregate classification (germline): Uncertain significance (1 of 4 stars; one submission).

Conditions:
NRP2-related disorder. Also called: NRP2-related condition.

gnomAD v4.1: 5 of 1,614,218 alleles (0.00031%); highest among the groups gnomAD compares: Admixed American, 0.005%; no homozygotes.

Submission:

PreventionGenetics, part of Exact Sciences
Classification: Uncertain significance for NRP2-related condition. Last evaluated: 2026-07-02. Review status: criteria provided, single submitter. Criteria: ACMG Guidelines, 2015. Collection method: clinical testing. Allele origin: germline.
Comment: The NRP2 c.1705C>G variant is predicted to result in the amino acid substitution p.Gln569Glu. To our knowledge, this variant has not been reported in the literature or in a large population database (gnomAD), indicating this variant is rare. At this time, the clinical significance of this variant is uncertain due to the absence of conclusive functional and genetic evidence.

NM_003872.3(NRP2):c.1705C>G (p.Gln569Glu)

Gene: NRP2 (neuropilin 2; plus strand). Cytogenetic location: 2q33.3.
Variant type: single nucleotide variant.
Coding change: c.1705C>G on transcript NM_003872.3 (MANE Select); coding-DNA position 1705, C replaced by G.
Protein change: p.Gln569Glu; replaces glutamine 569 with glutamic acid.
Molecular consequence: missense variant.
Genome position (GRCh38, 1-based): chr2:205,745,809, C>G. VCF-style: chr2-205745809-C-G. GRCh37 (hg19) VCF-style: chr2-206610533-C-G.
Other names: c.1705C>G, p.Gln569Glu (NM_018534.4, NM_201266.2, NM_201267.2 and 1 more transcripts); short protein forms Q569E.
Identifiers: ClinVar variation 4995370 (VCV004995370.1).